The following is an entry in ClinVar:

NM_001164277.2(SLC37A4):c.557T>A (p.Leu186His)

Gene: SLC37A4 (solute carrier family 37 member 4; minus strand). Cytogenetic location: 11q23.3.
Variant type: single nucleotide variant.
Coding change: c.557T>A on transcript NM_001164277.2 (MANE Select); coding-DNA position 557, T replaced by A.
Protein change: p.Leu186His; replaces leucine 186 with histidine.
Molecular consequence: missense variant.
Genome position (GRCh38, 1-based): chr11:119,027,696, A>T on the plus strand (T>A on the coding strand, the complement: SLC37A4 is on the minus strand). VCF-style: chr11-119027696-A-T. GRCh37 (hg19) VCF-style: chr11-118898406-A-T.
Other names: c.557T>A, p.Leu186His (NM_001164278.2, NM_001164280.2, NM_001467.6); c.338T>A, p.Leu113His (NM_001164279.2); short protein forms L113H, L186H.
Identifiers: ClinVar variation 1364388 (VCV001364388.8), dbSNP rs1943614259, ClinGen allele CA382902178.

ClinVar aggregate classification (germline): Uncertain significance (1 of 4 stars; one submission).

Conditions:
Glucose-6-phosphate transport defect (GSD1B). Also called: Glycogen Storage Disease Type Ib; GSD Ib. Identifiers: Orphanet 364, Orphanet 79259, MedGen C0268146, MONDO:0009288, OMIM 232220.

Allele frequency attached by ClinVar (database versions not stated): gnomAD exomes 0.00001.

Submission:

Labcorp Genetics (formerly Invitae), Labcorp
Classification: Uncertain significance for Glucose-6-phosphate transport defect. Last evaluated: 2021-06-28. Review status: criteria provided, single submitter. Criteria: Invitae Variant Classification Sherloc (09022015). Collection method: clinical testing. Allele origin: germline.
Comment: Experimental studies and prediction algorithms are not available or were not evaluated, and the functional significance of this variant is currently unknown. This variant has not been reported in the literature in individuals with SLC37A4-related conditions. This variant is not present in population databases (ExAC no frequency). This sequence change replaces leucine with histidine at codon 186 of the SLC37A4 protein (p.Leu186His). The leucine residue is moderately conserved and there is a moderate physicochemical difference between leucine and histidine. In summary, the available evidence is currently insufficient to determine the role of this variant in disease. Therefore, it has been classified as a Variant of Uncertain Significance.